The following is an entry in ClinVar:

NM_001127644.2(GABRA1):c.79G>A (p.Gly27Arg)

Gene: GABRA1 (gamma-aminobutyric acid type A receptor subunit alpha1; plus strand). Cytogenetic location: 5q34.
Variant type: single nucleotide variant.
Coding change: c.79G>A on transcript NM_001127644.2 (MANE Select); coding-DNA position 79, G replaced by A.
Protein change: p.Gly27Arg; replaces glycine 27 with arginine.
Molecular consequence: missense variant.
Genome position (GRCh38, 1-based): chr5:161,854,162, G>A. VCF-style: chr5-161854162-G-A. GRCh37 (hg19) VCF-style: chr5-161281168-G-A.
Other names: c.79G>A, p.Gly27Arg (NM_000806.5, NM_001127643.2, NM_001127645.2 and 1 more transcripts); short protein forms G27R.
Identifiers: ClinVar variation 2951351 (VCV002951351.5), dbSNP rs2532204813, ClinGen allele CA362181449.

ClinVar aggregate classification (germline): Uncertain significance. Review status: criteria provided, multiple submitters, no conflicts (2 of 4 stars). 2 submissions from 2 submitters: Uncertain significance (2). Last evaluated 2026-09-18.

Conditions:
Idiopathic generalized epilepsy. Also called: EIG; Generalised epilepsy. Identifiers: MedGen C0270850, MONDO:0005579, OMIM 600669.
Epilepsy, childhood absence 4 (ECA4). Also called: EPILEPSY, CHILDHOOD ABSENCE, SUSCEPTIBILITY TO, 4. Identifiers: Orphanet 307, MedGen C1970160.
Epilepsy, idiopathic generalized, susceptibility to, 13. Also called: EPILEPSY, JUVENILE MYOCLONIC, SUSCEPTIBILITY TO, 5. Identifiers: Orphanet 307, Orphanet 64280, MedGen C4013473, MONDO:0012627, OMIM 611136.

Submissions (2):

GeneDx
Classification: Uncertain significance. Last evaluated: 2026-09-18. Review status: criteria provided, single submitter. Criteria: GeneDx Variant Classification Process June 2021. Collection method: clinical testing. Allele origin: germline.
Comment: Not observed at significant frequency in large population cohorts (gnomAD); In silico analysis indicates that this missense variant does not alter protein structure/function; Has not been previously published as pathogenic or benign to our knowledge

Labcorp Genetics (formerly Invitae), Labcorp
Classification: Uncertain significance for Epilepsy, childhood absence 4; Epilepsy, idiopathic generalized, susceptibility to, 13; Idiopathic generalized epilepsy. Last evaluated: 2025-07-14. Review status: criteria provided, single submitter. Criteria: Invitae Variant Classification Sherloc (09022015). Collection method: clinical testing. Allele origin: germline.
Comment: This sequence change replaces glycine, which is neutral and non-polar, with arginine, which is basic and polar, at codon 27 of the GABRA1 protein (p.Gly27Arg). This variant is not present in population databases (gnomAD no frequency). This variant has not been reported in the literature in individuals affected with GABRA1-related conditions. ClinVar contains an entry for this variant (Variation ID: 2951351). Invitae Evidence Modeling of protein sequence and biophysical properties (such as structural, functional, and spatial information, amino acid conservation, physicochemical variation, residue mobility, and thermodynamic stability) indicates that this missense variant is not expected to disrupt GABRA1 protein function with a negative predictive value of 80%. In summary, the available evidence is currently insufficient to determine the role of this variant in disease. Therefore, it has been classified as a Variant of Uncertain Significance.